The following is an entry in ClinVar:

NM_001378743.1(CYLD):c.2263C>T (p.Gln755Ter)

Genes: CYLD (CYLD lysine 63 deubiquitinase; plus strand), CYLD-AS2 (CYLD antisense RNA 2; minus strand). Cytogenetic location: 16q12.1.
Variant type: single nucleotide variant.
Coding change: c.2263C>T on transcript NM_001378743.1 (MANE Select); coding-DNA position 2263, C replaced by T.
Protein change: p.Gln755Ter; replaces glutamine 755 with a stop codon.
Molecular consequence: nonsense. On other transcripts: non-coding transcript variant (1).
Genome position (GRCh38, 1-based): chr16:50,792,618, C>T. VCF-style: chr16-50792618-C-T. GRCh37 (hg19) VCF-style: chr16-50826529-C-T.
Other names: c.2254C>T, p.Gln752Ter (NM_001042355.2, NM_001042412.3, NM_001378744.1 and 6 more transcripts); c.2224C>T, p.Gln742Ter (NM_001378751.1, NM_001378752.1, NM_001378753.1); c.1588C>T, p.Gln530Ter (NM_001378754.1, NM_001378755.1); c.2263C>T, p.Gln755Ter (NM_015247.3); short protein forms Q530*, Q742*, Q752*, Q755*.
Identifiers: ClinVar variation 2633029 (VCV002633029.1), dbSNP rs2506820899, ClinGen allele CA395879174.

ClinVar aggregate classification (germline): Pathogenic (1 of 4 stars; one submission).

Conditions:
CYLD-related disorder. Also called: CYLD-related condition.

Submission:

PreventionGenetics, part of Exact Sciences
Classification: Pathogenic for CYLD-related condition. Last evaluated: 2023-05-04. Review status: criteria provided, single submitter. Criteria: ACMG Guidelines, 2015. Collection method: clinical testing. Allele origin: germline.
Comment: The CYLD c.2263C>T variant is predicted to result in premature protein termination (p.Gln755*). This variant has been reported in a family with trichoepithelioma (Referred to as c.2128C>T (p.Gln710X) Chen et al. 2011. PubMed ID: 21605102). This variant has not been reported in a large population database, indicating this variant is rare. Nonsense variants in CYLD are expected to be pathogenic. This variant is interpreted as pathogenic.